The following is an entry in ClinVar:

ClinVar aggregate classification (germline): Uncertain significance (1 of 4 stars; one submission).

Allele frequency attached by ClinVar (database versions not stated): gnomAD exomes below 0.00001.
gnomAD v4.1: 1 of 1,614,022 alleles (0.000062%); highest among the groups gnomAD compares: Non-Finnish European, 0.000085%; no homozygotes.

Submission:

Greenwood Genetic Center Diagnostic Laboratories, Greenwood Genetic Center
Classification: Uncertain significance. Last evaluated: 2022-07-19. Review status: criteria provided, single submitter. Criteria: ACMG Guidelines, 2015. Collection method: clinical testing. Allele origin: germline. Affected: yes.
Comment: Gene of Uncertain Significance

NM_144973.4(DENND5B):c.3724C>T (p.Arg1242Ter)

Gene: DENND5B (DENN domain containing 5B; minus strand). Cytogenetic location: 12p11.21.
Variant type: single nucleotide variant.
Coding change: c.3724C>T on transcript NM_144973.4 (MANE Select); coding-DNA position 3724, C replaced by T.
Protein change: p.Arg1242Ter; replaces arginine 1242 with a stop codon.
Molecular consequence: nonsense.
Genome position (GRCh38, 1-based): chr12:31,387,704, G>A on the plus strand (C>T on the coding strand, the complement: DENND5B is on the minus strand). VCF-style: chr12-31387704-G-A. GRCh37 (hg19) VCF-style: chr12-31540638-G-A.
Other names: c.3829C>T, p.Arg1277Ter (NM_001308339.2); short protein forms R1242*, R1277*.
Identifiers: ClinVar variation 1710442 (VCV001710442.3), dbSNP rs2498056384, ClinGen allele CA384252433.